The following is an entry in ClinVar:

NM_020117.11(LARS1):c.2628+304_2628+313del

Gene: LARS1 (leucyl-tRNA synthetase 1; minus strand). Cytogenetic location: 5q32.
Variant type: Microsatellite.
Coding change: c.2628+304_2628+313del on transcript NM_020117.11 (MANE Select); bases 304 to 313 of the intron after coding-DNA position 2628, 10 bases deleted (TATTTGTGTA; older notation c.2628+304_2628+313delTATTTGTGTA).
Molecular consequence: intron variant.
Genome position (GRCh38, 1-based): chr5:146,129,705-146,129,714, TACACAAATA deleted on the plus strand (TATTTGTGTA on the coding strand, the reverse complement: LARS1 is on the minus strand); deleting any 10 consecutive bases within chr5:146,129,705-146,129,729 gives the same sequence; the c. name uses the placement nearest the transcript's 3' end. VCF-style (leftmost placement, unchanged base first): chr5-146129704-TTACACAAATA-T. GRCh37 (hg19) VCF-style: chr5-145509267-TTACACAAATA-T.
Other names: c.2466+304_2466+313del (NM_001317965.2); c.2547+304_2547+313del (NM_016460.4); c.2490+304_2490+313del (NM_001317964.2).
Identifiers: ClinVar variation 670033 (VCV000670033.1), dbSNP rs72226576, ClinGen allele CA128839307.
Genomic context (GRCh38, chr5:146,129,704, plus strand): 5'-CTACTATCCCTGAATATTAAGTCCTATATATGCCAGAAGTTTTATATAAAACAAGAATAC[TTACACAAATA>T]TACACAAATATACACCTATATCTTTGTTTTTAAGCAGCTCATAACAATTGTTTATATCTT-3'

ClinVar aggregate classification (germline): Benign (1 of 4 stars; one submission).

Submission:

GeneDx
Classification: Benign. Last evaluated: 2018-06-14. Review status: criteria provided, single submitter. Criteria: GeneDx Variant Classification (06012015). Collection method: clinical testing. Allele origin: germline. Affected: yes.
Comment: This variant is considered likely benign or benign based on one or more of the following criteria: it is a conservative change, it occurs at a poorly conserved position in the protein, it is predicted to be benign by multiple in silico algorithms, and/or has population frequency not consistent with disease.